The following is an entry in ClinVar:

NM_006231.4(POLE):c.2012G>A (p.Trp671Ter)

Gene: POLE (DNA polymerase epsilon, catalytic subunit; minus strand). Cytogenetic location: 12q24.33.
Variant type: single nucleotide variant.
Coding change: c.2012G>A on transcript NM_006231.4 (MANE Select); coding-DNA position 2012, G replaced by A.
Protein change: p.Trp671Ter; replaces tryptophan 671 with a stop codon.
Molecular consequence: nonsense.
Genome position (GRCh38, 1-based): chr12:132,668,649, C>T on the plus strand (G>A on the coding strand, the complement: POLE is on the minus strand). VCF-style: chr12-132668649-C-T. GRCh37 (hg19) VCF-style: chr12-133245235-C-T.
Other names: short protein forms W671*.
Identifiers: ClinVar variation 2841221 (VCV002841221.3), dbSNP rs2542101470, ClinGen allele CA387354707.

ClinVar aggregate classification (germline): Pathogenic (1 of 4 stars; one submission).

Allele frequency attached by ClinVar (database versions not stated): gnomAD exomes below 0.00001.
gnomAD v4.1: 1 of 1,612,836 alleles (0.000062%); highest among the groups gnomAD compares: Non-Finnish European, 0.000085%; no homozygotes.

Submission:

Labcorp Genetics (formerly Invitae), Labcorp
Classification: Pathogenic. Last evaluated: 2023-02-27. Review status: criteria provided, single submitter. Criteria: Invitae Variant Classification Sherloc (09022015). Collection method: clinical testing. Allele origin: germline.
Comment: This variant has not been reported in the literature in individuals affected with POLE-related conditions. For these reasons, this variant has been classified as Pathogenic. This variant is not present in population databases (gnomAD no frequency). This sequence change creates a premature translational stop signal (p.Trp671*) in the POLE gene. It is expected to result in an absent or disrupted protein product. Loss-of-function variants in POLE are known to be pathogenic (PMID: 23230001, 25948378, 30503519).

Literature cited by the submitters: PubMed 23230001; PubMed 25948378; PubMed 30503519.